The following is an entry in ClinVar:

ClinVar aggregate classification (germline): Likely pathogenic (1 of 4 stars; one submission).

Conditions:
FLT4-related disorder. Also called: FLT4-related condition.

Submission:

PreventionGenetics, part of Exact Sciences
Classification: Likely pathogenic for FLT4-related condition. Last evaluated: 2022-09-08. Review status: criteria provided, single submitter. Criteria: ACMG Guidelines, 2015. Collection method: clinical testing. Allele origin: germline.
Comment: The FLT4 c.1614delC variant is predicted to result in a frameshift and premature protein termination (p.Asn538Lysfs*14). To our knowledge, this variant has not been reported in the literature or in a large population database, indicating this variant is rare. Frameshift variants in FLT4 are expected to be pathogenic. This variant is interpreted as likely pathogenic.

NM_182925.5(FLT4):c.1614del (p.Asn538fs)

Gene: FLT4 (fms related receptor tyrosine kinase 4; minus strand). Cytogenetic location: 5q35.3.
Variant type: Deletion.
Coding change: c.1614del on transcript NM_182925.5 (MANE Select); coding-DNA position 1614, one base deleted (C; older notation c.1614delC).
Protein change: p.Asn538fs; shifts the reading frame from asparagine 538.
Molecular consequence: frameshift variant.
Genome position (GRCh38, 1-based): chr5:180,622,774, G deleted on the plus strand (C on the coding strand, the reverse complement: FLT4 is on the minus strand). VCF-style (leftmost placement, unchanged base first): chr5-180622773-TG-T. GRCh37 (hg19) VCF-style: chr5-180049773-TG-T.
Other names: c.1614del, p.Asn538fs (NM_001354989.2, NM_002020.5); short protein forms N538fs.
Identifiers: ClinVar variation 2637203 (VCV002637203.1), dbSNP rs2480933426, ClinGen allele CA2695198802.